The following is an entry in ClinVar:

NM_000533.5(PLP1):c.505T>C (p.Cys169Arg)

Genes: PLP1 (proteolipid protein 1; plus strand), RAB9B (RAB9B, member RAS oncogene family; minus strand). Cytogenetic location: Xq22.2.
Variant type: single nucleotide variant.
Coding change: c.505T>C on transcript NM_000533.5 (MANE Select); coding-DNA position 505, T replaced by C.
Protein change: p.Cys169Arg; replaces cysteine 169 with arginine.
Molecular consequence: missense variant.
Genome position (GRCh38, 1-based): chrX:103,787,849, T>C. VCF-style: chrX-103787849-T-C. GRCh37 (hg19) VCF-style: chrX-103042778-T-C.
Other names: p.Cys169Arg; c.505T>C, p.Cys169Arg (NM_001128834.3); c.340T>C, p.Cys114Arg (NM_001305004.1); c.400T>C, p.Cys134Arg (NM_199478.3); short protein forms C114R, C134R, C169R.
Identifiers: ClinVar variation 2443314 (VCV002443314.2), dbSNP rs2522314343, ClinGen allele CA414103719.

ClinVar aggregate classification (germline): Likely pathogenic (1 of 4 stars; one submission).

Conditions:
Pelizaeus-Merzbacher disease. Also called: Sudanophilic leukodystrophy; Pelizaeus-Merzbacher spectrum disorder; Pelizaeus-Merzbacher Disease (PMD); Pelizeaus-Merzbacher spectrum disorder; LEUKODYSTROPHY, HYPOMYELINATING, 1. Identifiers: Orphanet 702, MedGen C0205711, MONDO:0010714, OMIM 312080, HP:0003269.

Submission:

Foundation for Research in Genetics and Endocrinology, FRIGE's Institute of Human Genetics
Classification: Likely pathogenic for Pelizaeus-Merzbacher disease. Review status: criteria provided, single submitter. Criteria: ACMG Guidelines, 2015. Collection method: clinical testing. Allele origin: germline. Inheritance: X-linked recessive inheritance. Affected: yes. Observed: 1 hemizygote.
Comment: A hemizygous missense variation in exon 4 of the PLP1 gene that results in the amino acid substitution of Arginine for Cysteine at codon 169 was detected. This variant has not been reported in the 1000 genomes, gnomAD and our internal databases. The in silico predictions of the variant are probably damaging by PolyPhen-2 (HumDiv) and damaging by SIFT and LRT. The observed variation is present in the Myelin proteolipid protein domain of the protein (PF01275) and has previously been reported in patients affected with Pelizaeus-Merzbacher disease. The reference codon is conserved across species. In summary, the variant meets our criteria to be classified as a Likely pathogenic variant.

Literature cited by the submitters: PubMed 21679407.